The following is an entry in ClinVar:

NC_000008.10:g.(?_141460869)_(141461502_?)del

Gene: TRAPPC9 (trafficking protein particle complex subunit 9; minus strand). Cytogenetic location: 8q24.3.
Variant type: Deletion.
Identifiers: ClinVar variation 1460058 (VCV001460058.5).

ClinVar aggregate classification (germline): Pathogenic (1 of 4 stars; one submission).

Submission:

Labcorp Genetics (formerly Invitae), Labcorp
Classification: Pathogenic. Last evaluated: 2023-12-31. Review status: criteria provided, single submitter. Criteria: Invitae Variant Classification Sherloc (09022015). Collection method: clinical testing. Allele origin: germline.
Comment: This variant is a gross deletion of the genomic region encompassing exon(s) 2 of the TRAPPC9 gene. This deletion is expected to create a premature termination codon and result in an absent or disrupted protein product. Loss-of-function variants in TRAPPC9 are known to be pathogenic (PMID: 2000476, 20004763, 20004764). This variant has not been reported in the literature in individuals affected with TRAPPC9-related conditions. For these reasons, this variant has been classified as Pathogenic.

Literature cited by the submitters: PubMed 2000476; PubMed 20004763; PubMed 20004764.